The following is an entry in ClinVar:

ClinVar aggregate classification (germline): Conflicting classifications of pathogenicity. Review status: criteria provided, conflicting classifications (1 of 4 stars). 7 submissions from 7 submitters: Uncertain significance (6); Likely benign (1). Last evaluated 2026-05-26.

Conditions:
MYOZ2-related disorder. Also called: MYOZ2-related condition.
Cardiovascular phenotype. Identifiers: MedGen CN230736.
Hypertrophic cardiomyopathy 16. Identifiers: MedGen C3151204, MONDO:0013455, OMIM 613838.
Hypertrophic cardiomyopathy. Also called: HYPERTROPHIC MYOCARDIOPATHY. Identifiers: Orphanet 217569, MedGen C0007194, MeSH D002312, MONDO:0005045, HP:0001639.

Allele frequency attached by ClinVar (database versions not stated): gnomAD 0.00003 and 0.00004; gnomAD exomes 0.00004 and 0.00014; ExAC 0.00005; TOPMed 0.00006.
gnomAD v4.1: 208 of 1,613,758 alleles (0.013%); highest among the groups gnomAD compares: Non-Finnish European, 0.017%; no homozygotes.

Submissions (7):

Women's Health and Genetics/Laboratory Corporation of America, LabCorp
Classification: Likely benign. Last evaluated: 2026-05-26. Review status: criteria provided, single submitter. Criteria: LabCorp Variant Classification Summary - May 2015. Collection method: clinical testing. Allele origin: germline.
Comment: Variant summary: MYOZ2 c.674C>T (p.Pro225Leu) results in a non-conservative amino acid change in the encoded protein sequence. Algorithms developed to predict the effect of missense changes on protein structure and function are either unavailable or do not agree on the potential impact of this missense change. The variant allele was found at a frequency of 4.4e-05 in 251382 control chromosomes, predominantly at a frequency of 8.8e-05 within the Non-Finnish European subpopulation in the gnomAD database. The observed variant frequency within Non-Finnish European control individuals in the gnomAD database exceeds the estimated maximal expected allele frequency for disease-causing variants in MYOZ2. c.674C>T has been observed in at least 1 individual(s) affected with MYOZ2-related conditions, without strong evidence for causality (example, Miszalski-Jamka_2017). These report(s) do not provide unequivocal conclusions about association of the variant with disease. To our knowledge, no experimental evidence demonstrating an impact on protein function has been reported. The following publication has been ascertained in the context of this evaluation (PMID: 28798025). ClinVar contains an entry for this variant (Variation ID: 191745). Based on the evidence outlined above, the variant was classified as likely benign.

Labcorp Genetics (formerly Invitae), Labcorp
Classification: Uncertain significance for Hypertrophic cardiomyopathy. Last evaluated: 2025-11-27. Review status: criteria provided, single submitter. Criteria: Invitae Variant Classification Sherloc (09022015). Collection method: clinical testing. Allele origin: germline.
Comment: This sequence change replaces proline, which is neutral and non-polar, with leucine, which is neutral and non-polar, at codon 225 of the MYOZ2 protein (p.Pro225Leu). This variant is present in population databases (rs200428820, gnomAD 0.01%). This missense change has been observed in individual(s) with left ventricular non-compaction (PMID: 28798025). ClinVar contains an entry for this variant (Variation ID: 191745). Invitae Evidence Modeling of protein sequence and biophysical properties (such as structural, functional, and spatial information, amino acid conservation, physicochemical variation, residue mobility, and thermodynamic stability) indicates that this missense variant is not expected to disrupt MYOZ2 protein function with a negative predictive value of 80%. In summary, the available evidence is currently insufficient to determine the role of this variant in disease. Therefore, it has been classified as a Variant of Uncertain Significance.

PreventionGenetics, part of Exact Sciences
Classification: Uncertain significance for MYOZ2-related condition. Last evaluated: 2025-04-30. Review status: criteria provided, single submitter. Criteria: ACMG Guidelines, 2015. Collection method: clinical testing. Allele origin: germline.
Comment: The MYOZ2 c.674C>T variant is predicted to result in the amino acid substitution p.Pro225Leu. This variant has been reported in an individual with left ventricular noncompaction (Table S3, Miszalski-Jamka et al. 2017. PubMed ID: 28798025). This variant is reported in 0.0085% of alleles in individuals of European (Non-Finnish) descent in gnomAD. At this time, the clinical significance of this variant is uncertain due to the absence of conclusive functional and genetic evidence.

Ambry Genetics
Classification: Uncertain significance for Cardiovascular phenotype. Last evaluated: 2025-03-02. Review status: criteria provided, single submitter. Criteria: Ambry Variant Classification Scheme 2023. Collection method: clinical testing. Allele origin: germline.
Comment: The p.P225L variant (also known as c.674C>T), located in coding exon 5 of the MYOZ2 gene, results from a C to T substitution at nucleotide position 674. The proline at codon 225 is replaced by leucine, an amino acid with similar properties. This amino acid position is highly conserved in available vertebrate species. In addition, this alteration is predicted to be tolerated by in silico analysis. The evidence for this gene-disease relationship is limited; therefore, the clinical significance of this alteration is unclear.

Revvity Omics, Revvity
Classification: Uncertain significance for Hypertrophic cardiomyopathy 16. Last evaluated: 2022-01-20. Review status: criteria provided, single submitter. Criteria: ACMG Guidelines, 2015. Collection method: clinical testing. Allele origin: germline.

Fulgent Genetics
Classification: Uncertain significance for Hypertrophic cardiomyopathy 16. Last evaluated: 2021-08-11. Review status: criteria provided, single submitter. Criteria: ACMG Guidelines, 2015. Collection method: clinical testing. Allele origin: unknown.

Biesecker Lab/Clinical Genomics Section, National Institutes of Health
Classification: Uncertain significance. Last evaluated: 2013-06-24. Review status: criteria provided, single submitter. Criteria: Ng et al. (Circ Cardiovasc Genet. 2013). Collection method: research. Allele origin: unknown. Observed: 1 variant allele. Study: ClinSeq.
Comment: The study set was not selected for affection status in relation to any cancer. Pathogenicity categories were based on literature curation. See Pubmed ID:23861362 for details.

Medical sequencing

Literature cited by the submitters: PubMed 28798025 (cited by Women's Health and Genetics/Laboratory Corporation of America, LabCorp and Labcorp Genetics (formerly Invitae), Labcorp).

NM_016599.5(MYOZ2):c.674C>T (p.Pro225Leu)

Gene: MYOZ2 (myozenin 2; plus strand). Cytogenetic location: 4q26.
Variant type: single nucleotide variant.
Coding change: c.674C>T on transcript NM_016599.5 (MANE Select); coding-DNA position 674, C replaced by T.
Protein change: p.Pro225Leu; replaces proline 225 with leucine.
Molecular consequence: missense variant.
Genome position (GRCh38, 1-based): chr4:119,186,079, C>T. VCF-style: chr4-119186079-C-T. GRCh37 (hg19) VCF-style: chr4-120107234-C-T.
Other names: short protein forms P225L.
Identifiers: ClinVar variation 191745 (VCV000191745.14), dbSNP rs200428820, ClinGen allele CA237436.